The following is an entry in ClinVar:

ClinVar aggregate classification (germline): Uncertain significance (1 of 4 stars; one submission).

Submission:

GeneDx
Classification: Uncertain significance. Last evaluated: 2025-05-05. Review status: criteria provided, single submitter. Criteria: GeneDx Variant Classification Process June 2021. Collection method: clinical testing. Allele origin: germline. Affected: yes.
Comment: Not observed at significant frequency in large population cohorts (gnomAD); In silico analysis suggests that this missense variant does not alter protein structure/function; Has not been previously published as pathogenic or benign to our knowledge

NM_003185.4(TAF4):c.2759C>T (p.Thr920Ile)

Gene: TAF4 (TATA-box binding protein associated factor 4; minus strand). Cytogenetic location: 20q13.33.
Variant type: single nucleotide variant.
Coding change: c.2759C>T on transcript NM_003185.4 (MANE Select); coding-DNA position 2759, C replaced by T.
Protein change: p.Thr920Ile; replaces threonine 920 with isoleucine.
Molecular consequence: missense variant.
Genome position (GRCh38, 1-based): chr20:62,000,152, G>A on the plus strand (C>T on the coding strand, the complement: TAF4 is on the minus strand). VCF-style: chr20-62000152-G-A. GRCh37 (hg19) VCF-style: chr20-60575208-G-A.
Other names: short protein forms T920I.
Identifiers: ClinVar variation 4528149 (VCV004528149.1).